The following is an entry in ClinVar:

NM_002473.6(MYH9):c.4262A>C (p.Glu1421Ala)

Gene: MYH9 (myosin heavy chain 9; minus strand). Cytogenetic location: 22q12.3.
Variant type: single nucleotide variant.
Coding change: c.4262A>C on transcript NM_002473.6 (MANE Select); coding-DNA position 4262, A replaced by C.
Protein change: p.Glu1421Ala; replaces glutamic acid 1421 with alanine.
Molecular consequence: missense variant.
Genome position (GRCh38, 1-based): chr22:36,292,068, T>G on the plus strand (A>C on the coding strand, the complement: MYH9 is on the minus strand). VCF-style: chr22-36292068-T-G. GRCh37 (hg19) VCF-style: chr22-36688114-T-G.
Other names: short protein forms E1421A.
Identifiers: ClinVar variation 623100 (VCV000623100.4), dbSNP rs1603482879, ClinGen allele CA411382397.

ClinVar aggregate classification (germline): Uncertain significance. Review status: criteria provided, single submitter (1 of 4 stars). 2 submissions from 1 submitter: Uncertain significance (2). Last evaluated 2019-02-01.

Conditions:
MYH9-related disorder. Identifiers: MedGen C1854520.
Macrothrombocytopenia. Identifiers: MedGen C2751260, HP:0040185.

Submissions (2):

NIHR Bioresource Rare Diseases, University of Cambridge
Classification: Uncertain significance for Macrothrombocytopenia. Last evaluated: 2019-02-01. Review status: criteria provided, single submitter. Criteria: ACMG Guidelines, 2015. Collection method: research. Allele origin: unknown. Affected: yes. Observed: 1 heterozygote. Study: ThromboGenomics.

NIHR Bioresource Rare Diseases, University of Cambridge
Classification: Uncertain significance for MYH9-related disorder. Last evaluated: 2018-12-12. Review status: criteria provided, single submitter. Criteria: ACMG Guidelines, 2015. Collection method: research. Allele origin: unknown. Inheritance: Autosomal dominant inheritance. Affected: yes. Observed: 1 heterozygote.
Comment: PM2, PP3

Literature cited by the submitters: PubMed 31064749.